The following is an entry in ClinVar:

NM_018671.5(UNC45A):c.1282G>C (p.Ala428Pro)

Gene: UNC45A (unc-45 myosin chaperone A; plus strand). Cytogenetic location: 15q26.1.
Variant type: single nucleotide variant.
Coding change: c.1282G>C on transcript NM_018671.5 (MANE Select); coding-DNA position 1282, G replaced by C.
Protein change: p.Ala428Pro; replaces alanine 428 with proline.
Molecular consequence: missense variant.
Genome position (GRCh38, 1-based): chr15:90,946,696, G>C. VCF-style: chr15-90946696-G-C. GRCh37 (hg19) VCF-style: chr15-91489926-G-C.
Other names: c.1237G>C, p.Ala413Pro (NM_001039675.2, NM_001323621.2); c.1282G>C, p.Ala428Pro (NM_001323619.1); c.847G>C, p.Ala283Pro (NM_001323620.2); short protein forms A283P, A428P, A413P.
Identifiers: ClinVar variation 3637940 (VCV003637940.2).

ClinVar aggregate classification (germline): Uncertain significance (1 of 4 stars; one submission).

Submission:

Labcorp Genetics (formerly Invitae), Labcorp
Classification: Uncertain significance. Last evaluated: 2024-02-08. Review status: criteria provided, single submitter. Criteria: Invitae Variant Classification Sherloc (09022015). Collection method: clinical testing. Allele origin: germline.
Comment: This sequence change replaces alanine, which is neutral and non-polar, with proline, which is neutral and non-polar, at codon 428 of the UNC45A protein (p.Ala428Pro). This variant is not present in population databases (gnomAD no frequency). This variant has not been reported in the literature in individuals affected with UNC45A-related conditions. Advanced modeling of protein sequence and biophysical properties (such as structural, functional, and spatial information, amino acid conservation, physicochemical variation, residue mobility, and thermodynamic stability) performed at Invitae indicates that this missense variant is not expected to disrupt UNC45A protein function with a negative predictive value of 80%. In summary, the available evidence is currently insufficient to determine the role of this variant in disease. Therefore, it has been classified as a Variant of Uncertain Significance.